The following is an entry in ClinVar:

NM_000147.5(FUCA1):c.1330_1331del (p.Leu444fs)

Gene: FUCA1 (alpha-L-fucosidase 1; minus strand). Cytogenetic location: 1p36.11.
Variant type: Microsatellite.
Coding change: c.1330_1331del on transcript NM_000147.5 (MANE Select); coding-DNA positions 1330 to 1331, 2 bases deleted (CT; older notation c.1330_1331delCT).
Protein change: p.Leu444fs; shifts the reading frame from leucine 444.
Molecular consequence: frameshift variant. On other transcripts: non-coding transcript variant (4).
Genome position (GRCh38, 1-based): chr1:23,845,785-23,845,786, AG deleted on the plus strand (CT on the coding strand, the reverse complement: FUCA1 is on the minus strand); deleting any 2 consecutive bases within chr1:23,845,785-23,845,791 gives the same sequence; the c. name uses the placement nearest the transcript's 3' end. VCF-style (leftmost placement, unchanged base first): chr1-23845784-TAG-T. GRCh37 (hg19) VCF-style: chr1-24172274-TAG-T.
Other names: short protein forms L444fs.
Identifiers: ClinVar variation 4293329 (VCV004293329.1).

ClinVar aggregate classification (germline): Uncertain significance (1 of 4 stars; one submission).

Conditions:
FUCA1-related disorder. Also called: FUCA1-related condition.

Submission:

3billion
Classification: Uncertain significance for FUCA1-related disorder. Last evaluated: 2025-01-17. Review status: criteria provided, single submitter. Criteria: ACMG Guidelines, 2015. Collection method: clinical testing. Allele origin: germline. Affected: yes.
Comment: The variant is not observed in the gnomAD v4.1.0 dataset. Predicted Consequence/Location: Frameshift: predicted to result in a loss or disruption of normal protein function through protein truncation. The predicted truncated protein may be shortened by less than 10%. Therefore, this variant is classified as VUS according to the recommendation of ACMG/AMP guideline.